The following is an entry in ClinVar:

NM_000061.3(BTK):c.557dup (p.Pro187fs)

Gene: BTK (Bruton tyrosine kinase; minus strand). Cytogenetic location: Xq22.1.
Variant type: Duplication.
Coding change: c.557dup on transcript NM_000061.3 (MANE Select); coding-DNA position 557, one base duplicated (A; older notation c.557dupA).
Protein change: p.Pro187fs; shifts the reading frame from proline 187.
Molecular consequence: frameshift variant.
Genome position (GRCh38, 1-based): chrX:101,362,204, T duplicated on the plus strand (A on the coding strand, the reverse complement: BTK is on the minus strand); the first of 6 consecutive T bases (chrX:101,362,204-101,362,209); duplicating any one gives the same sequence. VCF-style (leftmost placement, unchanged base first): chrX-101362203-C-CT. GRCh37 (hg19) VCF-style: chrX-100617191-C-CT.
Other names: c.659dup, p.Pro221fs (NM_001287344.2); c.557dup, p.Pro187fs (NM_001287345.2); c.557dupA (NM_000061.2, NM_000061.3); short protein forms P187fs, P221fs.
Identifiers: ClinVar variation 11358 (VCV000011358.8), dbSNP rs864321665, ClinGen allele CA341089.
Genomic context (GRCh38, chrX:101,362,203, plus strand): 5'-GCAGTGGCAGCACCCAGTTTCCCTGTATACCTGGTCCTCCTCAGGCGTTGGGGGAAGAGG[C>CT]TTTTTTGTCTTCCGGTGAGAACTCCCAGGTTTTAAGCCTGCAAAACAAGAAGCCAGTGAT-3'

ClinVar aggregate classification (germline): Pathogenic. Review status: criteria provided, single submitter (1 of 4 stars). 3 submissions from 3 submitters: Pathogenic (1). 2 of the submissions do not count toward it. Last evaluated 2025-02-13.

Conditions:
X-linked agammaglobulinemia (XLA). Also called: Agammaglobulinemia, Bruton tyrosine kinase; Agammaglobulinemia, BTK; BTK-deficiency; IMMUNODEFICIENCY 1; Bruton's agammaglobulinemia; AGAMMAGLOBULINEMIA, X-LINKED, TYPE 1. Identifiers: Orphanet 229717, Orphanet 47, MedGen C0221026, MONDO:0010421, OMIM 300755.
X-linked agammaglobulinemia with growth hormone deficiency (IGHD3). Also called: ISOLATED GROWTH HORMONE DEFICIENCY, TYPE III, WITH AGAMMAGLOBULINEMIA; AGAMMAGLOBULINEMIA AND ISOLATED GROWTH HORMONE DEFICIENCY, X-LINKED; FLEISHER SYNDROME; HYPOGAMMAGLOBULINEMIA AND ISOLATED GROWTH HORMONE DEFICIENCY, X-LINKED; IGHD III; Isolated growth hormone deficiency type 3. Identifiers: Orphanet 231692, Orphanet 631, MedGen C0472813, MONDO:0010615, OMIM 307200.

Submissions (3):

Labcorp Genetics (formerly Invitae), Labcorp
Classification: Pathogenic for X-linked agammaglobulinemia with growth hormone deficiency. Last evaluated: 2025-02-13. Review status: criteria provided, single submitter. Criteria: Invitae Variant Classification Sherloc (09022015). Collection method: clinical testing. Allele origin: germline.
Comment: This sequence change creates a premature translational stop signal (p.Pro187Alafs*7) in the BTK gene. It is expected to result in an absent or disrupted protein product. Loss-of-function variants in BTK are known to be pathogenic (PMID: 15661032, 16862044, 19419768). This variant is not present in population databases (gnomAD no frequency). This premature translational stop signal has been observed in individual(s) with X-linked agammaglobulinemia (PMID: 7849697, 9143921). This variant is also known as insA [684-689] and A insertion at codon 186. ClinVar contains an entry for this variant (Variation ID: 11358). For these reasons, this variant has been classified as Pathogenic.

Clinic of Clinical Immunology with Stem Cell Bank, Expert Centre for Rare Diseases - PID, University Hospital "Alexandrovska"
Classification: Pathogenic for X-linked agammaglobulinemia. Last evaluated: 2022-05-01. Review status: no assertion criteria provided. Collection method: clinical testing. Allele origin: germline. Affected: yes. Not counted in ClinVar's aggregate classification.

OMIM
Classification: Pathogenic for AGAMMAGLOBULINEMIA, X-LINKED. Last evaluated: 1994-10-01. Review status: no assertion criteria provided. Collection method: literature only. Allele origin: germline. Not counted in ClinVar's aggregate classification.

Literature cited by the submitters: PubMed 15661032 (cited by Labcorp Genetics (formerly Invitae), Labcorp); PubMed 16862044 (cited by Labcorp Genetics (formerly Invitae), Labcorp); PubMed 19419768 (cited by Labcorp Genetics (formerly Invitae), Labcorp); PubMed 7849697 (cited by Labcorp Genetics (formerly Invitae), Labcorp and OMIM); PubMed 9143921 (cited by Labcorp Genetics (formerly Invitae), Labcorp).